The following is an entry in ClinVar:

NM_000548.5(TSC2):c.4924G>A (p.Gly1642Ser)

Gene: TSC2 (TSC complex subunit 2; plus strand). Cytogenetic location: 16p13.3.
Variant type: single nucleotide variant.
Coding change: c.4924G>A on transcript NM_000548.5 (MANE Select); coding-DNA position 4924, G replaced by A.
Protein change: p.Gly1642Ser; replaces glycine 1642 with serine.
Molecular consequence: missense variant. On other transcripts: non-coding transcript variant (5).
Genome position (GRCh38, 1-based): chr16:2,086,806, G>A. VCF-style: chr16-2086806-G-A. GRCh37 (hg19) VCF-style: chr16-2136807-G-A.
Other names: c.4723G>A, p.Gly1575Ser (NM_001077183.3); c.4855G>A, p.Gly1619Ser (NM_001114382.3); c.4615G>A, p.Gly1539Ser (NM_001318827.2); c.4579G>A, p.Gly1527Ser (NM_001318829.2); c.4192G>A, p.Gly1398Ser (NM_001318831.2); c.4756G>A, p.Gly1586Ser (NM_001318832.2); c.4726G>A, p.Gly1576Ser (NM_001363528.2); c.4792G>A, p.Gly1598Ser (NM_001370404.1); and 26 more; short protein forms G1041S, G1127S, G1128S, G1150S, G1151S, G1171S, G1375S, G1376S.
Identifiers: ClinVar variation 3386180 (VCV003386180.1).

ClinVar aggregate classification (germline): Uncertain significance (1 of 4 stars; one submission).

Conditions:
Tuberous sclerosis syndrome (TSC). Also called: Tuberous Sclerosis Complex; Tuberous sclerosis. Identifiers: Orphanet 805, MedGen C0041341, MONDO:0001734.

Submission:

All of Us Research Program, National Institutes of Health
Classification: Uncertain significance for Tuberous sclerosis syndrome. Last evaluated: 2024-08-30. Review status: criteria provided, single submitter. Criteria: ACMG Guidelines, 2015. Collection method: clinical testing. Allele origin: germline. Inheritance: Autosomal dominant inheritance. Observed: 1 variant allele, 1 heterozygote.
Comment: This study involves interpretation of variants in research participants for the purpose of population health screening. Participant phenotype was not available at the time of variant classification. Additional details can be found in publication PMID: 35346344, PMCID: PMC8962531